The following is an entry in ClinVar:

ClinVar aggregate classification (germline): Likely benign (1 of 4 stars; one submission).

Allele frequency attached by ClinVar (database versions not stated): ExAC 0.00002; gnomAD exomes 0.00004.
gnomAD v4.1: 74 of 1,614,044 alleles (0.0046%); highest among the groups gnomAD compares: Admixed American, 0.042%; no homozygotes.

Submission:

CeGaT Center for Human Genetics Tuebingen
Classification: Likely benign. Last evaluated: 2023-03-01. Review status: criteria provided, single submitter. Criteria: CeGaT Center For Human Genetics Tuebingen Variant Classification Criteria Version 2. Collection method: clinical testing. Allele origin: germline. Affected: yes. Observed: 1 variant allele.
Comment: ACSM3: BP4, BP7

NM_005622.4(ACSM3):c.75G>A (p.Val25=)

Gene: ACSM3 (acyl-CoA synthetase medium chain family member 3; plus strand). Cytogenetic location: 16p12.3.
Variant type: single nucleotide variant.
Coding change: c.75G>A on transcript NM_005622.4 (MANE Select); coding-DNA position 75, G replaced by A.
Protein change: p.Val25=; no amino-acid change (valine 25 retained).
Molecular consequence: synonymous variant.
Genome position (GRCh38, 1-based): chr16:20,770,109, G>A. VCF-style: chr16-20770109-G-A. GRCh37 (hg19) VCF-style: chr16-20781431-G-A.
Other names: c.75G>A, p.Val25= (NM_202000.3).
Identifiers: ClinVar variation 2646285 (VCV002646285.24), dbSNP rs755355248, ClinGen allele CA7943649.